The following is an entry in ClinVar:

NM_001829.4(CLCN3):c.32A>G (p.Tyr11Cys)

Gene: CLCN3 (chloride voltage-gated channel 3; plus strand). Cytogenetic location: 4q33.
Variant type: single nucleotide variant.
Coding change: c.32A>G on transcript NM_001829.4 (MANE Select); coding-DNA position 32, A replaced by G.
Protein change: p.Tyr11Cys; replaces tyrosine 11 with cysteine.
Molecular consequence: missense variant.
Genome position (GRCh38, 1-based): chr4:169,635,960, A>G. VCF-style: chr4-169635960-A-G. GRCh37 (hg19) VCF-style: chr4-170557111-A-G.
Other names: c.32A>G, p.Tyr11Cys (NM_001243372.2, NM_173872.4); short protein forms Y11C.
Identifiers: ClinVar variation 521812 (VCV000521812.5), dbSNP rs1553965256, ClinGen allele CA358734888.

ClinVar aggregate classification (germline): Uncertain significance (1 of 4 stars; one submission).

Conditions:
Inborn genetic diseases. Identifiers: MedGen C0950123, MeSH D030342.

Allele frequency attached by ClinVar (database versions not stated): TOPMed below 0.00001.
gnomAD v4.1: 3 of 1,611,504 alleles (0.00019%); highest among the groups gnomAD compares: East Asian, 0.0022%; no homozygotes.

Submission:

Ambry Genetics
Classification: Uncertain significance for Inborn genetic diseases. Last evaluated: 2023-08-04. Review status: criteria provided, single submitter. Criteria: Ambry Variant Classification Scheme 2023. Collection method: clinical testing. Allele origin: germline.
Comment: The c.32A>G (p.Y11C) alteration is located in exon 2 (coding exon 1) of the CLCN3 gene. This alteration results from an A to G substitution at nucleotide position 32, causing the tyrosine (Y) at amino acid position 11 to be replaced by a cysteine (C). This variant was not reported in population-based cohorts in the Genome Aggregation Database (gnomAD). This amino acid position is well conserved in available vertebrate species. The tyrosine (Tyr) at amino acid position 11 is located in the cytoplasmic N-terminal region of the long isoforms of ClC-3 &ndash; ClC-a, ClC-b and ClC-e encoded by alternatively spliced transcripts NM_001243372, NM_001829 and NM_173872, and is absent in the short isoform ClC-3c encoded by transcript NM_001243374 that has an alternate start codon further downstream. Homologous transcripts of ClC-3b, ClC-c and ClC-e have been described in the mouse out of which ClC-b and ClC-c are found to be ubiquitously expressed with a high expression in the brain, while ClC-e is expressed only in the retina, pancreas, kidney, liver and lung (Guzman, 2015). Dileucine motifs near the Tyr11 residue in the N-terminal of the ClC-3 protein have been shown to be involved in clathrin-mediated endocytosis of the protein from the plasma membrane (Zhao, 2007). Mutations of these motifs abolish the endocytosis of ClC-3 and increase its surface expression thereby preventing it from internalization to its appropriate subcellular location. However, functional studies of the Tyr11 residue have not been performed to determine its role in the trafficking or function of ClC-3. The in silico prediction for this alteration is inconclusive. Based on insufficient or conflicting evidence, the clinical significance of this alteration remains unclear.

Literature cited by the submitters: PubMed 17652080; PubMed 26342074.